The following is an entry in ClinVar:

ClinVar aggregate classification (germline): Uncertain significance (1 of 4 stars; one submission).

Conditions:
Hereditary cancer-predisposing syndrome. Also called: Tumor predisposition; Hereditary Cancer Syndrome; Hereditary neoplastic syndrome; Neoplastic Syndromes, Hereditary. Identifiers: Orphanet 140162, MedGen C0027672, MeSH D009386, MONDO:0015356.

Submission:

Ambry Genetics
Classification: Uncertain significance for Hereditary cancer-predisposing syndrome. Last evaluated: 2019-04-19. Review status: criteria provided, single submitter. Criteria: Ambry Variant Classification Scheme 2023. Collection method: clinical testing. Allele origin: germline.
Comment: The p.Y731C variant (also known as c.2192A>G), located in coding exon 14 of the SMARCA4 gene, results from an A to G substitution at nucleotide position 2192. The tyrosine at codon 731 is replaced by cysteine, an amino acid with highly dissimilar properties. This amino acid position is highly conserved in available vertebrate species. In addition, this alteration is predicted to be deleterious by in silico analysis. Since supporting evidence is limited at this time, the clinical significance of this alteration remains unclear.

NM_003072.5(SMARCA4):c.2192A>G (p.Tyr731Cys)

Gene: SMARCA4 (SWI/SNF related BAF chromatin remodeling complex subunit ATPase 4; plus strand). Cytogenetic location: 19p13.2.
Variant type: single nucleotide variant.
Coding change: c.2192A>G on transcript NM_003072.5 (MANE Select); coding-DNA position 2192, A replaced by G.
Protein change: p.Tyr731Cys; replaces tyrosine 731 with cysteine.
Molecular consequence: missense variant. On other transcripts: non-coding transcript variant (1).
Genome position (GRCh38, 1-based): chr19:11,010,449, A>G. VCF-style: chr19-11010449-A-G. GRCh37 (hg19) VCF-style: chr19-11121125-A-G.
Other names: c.2192A>G, p.Tyr731Cys (NM_001128844.3, NM_001128845.2, NM_001128846.2 and 5 more transcripts); short protein forms Y731C.
Identifiers: ClinVar variation 486466 (VCV000486466.5), dbSNP rs1555773301, ClinGen allele CA404052798.